The following is an entry in ClinVar:

ClinVar aggregate classification (germline): Uncertain significance. Review status: criteria provided, multiple submitters, no conflicts (2 of 4 stars). 6 submissions from 5 submitters: Uncertain significance (6). Last evaluated 2026-02-01.

Conditions:
Inborn genetic diseases. Identifiers: MedGen C0950123, MeSH D030342.
Sengers syndrome. Also called: MITOCHONDRIAL DNA DEPLETION SYNDROME 10 (CARDIOMYOPATHIC TYPE); Cardiomyopathy and cataract. Identifiers: Orphanet 1369, MedGen C1859317, MONDO:0008922, OMIM 212350.
Cataract 38. Also called: Cataract, autosomal recessive congenital 5; Cataract 38, autosomal recessive. Identifiers: Orphanet 91492, MedGen C3553494, MONDO:0013859, OMIM 614691.

Allele frequency attached by ClinVar (database versions not stated): gnomAD exomes 0.00007; ExAC 0.00014; 1000 Genomes Project 0.00040; 1000 Genomes Project 30x 0.00047; gnomAD 0.00051; ESP Exome Variant Server 0.00054; TOPMed 0.00058.
gnomAD v4.1: 185 of 1,613,466 alleles (0.011%); highest among the groups gnomAD compares: African/African-American, 0.22%; no homozygotes.

Submissions (6):

CeGaT Center for Human Genetics Tuebingen
Classification: Uncertain significance. Last evaluated: 2026-02-01. Review status: criteria provided, single submitter. Criteria: CeGaT Center For Human Genetics Tuebingen Variant Classification Criteria Version 2. Collection method: clinical testing. Allele origin: germline. Affected: yes. Observed: 1 variant allele.
Comment: AGK: PM2

GeneDx
Classification: Uncertain significance. Last evaluated: 2025-05-27. Review status: criteria provided, single submitter. Criteria: GeneDx Variant Classification Process June 2021. Collection method: clinical testing. Allele origin: germline.
Comment: In silico analysis suggests that this missense variant does not alter protein structure/function; Has not been previously published as pathogenic or benign to our knowledge

Labcorp Genetics (formerly Invitae), Labcorp
Classification: Uncertain significance for Sengers syndrome; Cataract 38. Last evaluated: 2022-11-01. Review status: criteria provided, single submitter. Criteria: Invitae Variant Classification Sherloc (09022015). Collection method: clinical testing. Allele origin: germline.
Comment: This sequence change replaces histidine, which is basic and polar, with proline, which is neutral and non-polar, at codon 248 of the AGK protein (p.His248Pro). This variant is present in population databases (rs150160397, gnomAD 0.2%). This variant has not been reported in the literature in individuals affected with AGK-related conditions. ClinVar contains an entry for this variant (Variation ID: 359061). Advanced modeling of protein sequence and biophysical properties (such as structural, functional, and spatial information, amino acid conservation, physicochemical variation, residue mobility, and thermodynamic stability) has been performed at Invitae for this missense variant, however the output from this modeling did not meet the statistical confidence thresholds required to predict the impact of this variant on AGK protein function. In summary, the available evidence is currently insufficient to determine the role of this variant in disease. Therefore, it has been classified as a Variant of Uncertain Significance.

Ambry Genetics
Classification: Uncertain significance for Inborn genetic diseases. Last evaluated: 2022-02-10. Review status: criteria provided, single submitter. Criteria: Ambry Variant Classification Scheme 2023. Collection method: clinical testing. Allele origin: germline.

Illumina Laboratory Services, Illumina
Classification: Uncertain significance for Cataract 38. Last evaluated: 2018-01-12. Review status: criteria provided, single submitter. Criteria: ICSL Variant Classification Criteria 13 December 2019. Collection method: clinical testing. Allele origin: germline.

Illumina Laboratory Services, Illumina
Classification: Uncertain significance for Sengers syndrome. Last evaluated: 2018-01-12. Review status: criteria provided, single submitter. Criteria: ICSL Variant Classification Criteria 13 December 2019. Collection method: clinical testing. Allele origin: germline.

NM_018238.4(AGK):c.743A>C (p.His248Pro)

Gene: AGK (acylglycerol kinase; plus strand). Cytogenetic location: 7q34.
Variant type: single nucleotide variant.
Coding change: c.743A>C on transcript NM_018238.4 (MANE Select); coding-DNA position 743, A replaced by C.
Protein change: p.His248Pro; replaces histidine 248 with proline.
Molecular consequence: missense variant.
Genome position (GRCh38, 1-based): chr7:141,641,264, A>C. VCF-style: chr7-141641264-A-C. GRCh37 (hg19) VCF-style: chr7-141341064-A-C.
Other names: c.743A>C, p.His248Pro (NM_001364948.3); short protein forms H248P.
Identifiers: ClinVar variation 359061 (VCV000359061.14), dbSNP rs150160397, ClinGen allele CA4517576.